The following is an entry in ClinVar:

ClinVar aggregate classification (germline): Pathogenic (1 of 4 stars; one submission).

Conditions:
PURA-related severe neonatal hypotonia-seizures-encephalopathy syndrome (NEDRIHF). Also called: PURA-Related Neurodevelopmental Disorders; NEURODEVELOPMENTAL DISORDER WITH NEONATAL RESPIRATORY INSUFFICIENCY, HYPOTONIA, AND FEEDING DIFFICULTIES. Identifiers: Orphanet 438213, Orphanet 438216, MedGen C4015357, MONDO:1060108, OMIM 616158, MONDO:0018580.

Submission:

Labcorp Genetics (formerly Invitae), Labcorp
Classification: Pathogenic for PURA-related severe neonatal hypotonia-seizures-encephalopathy syndrome. Last evaluated: 2025-12-03. Review status: criteria provided, single submitter. Criteria: Invitae Variant Classification Sherloc (09022015). Collection method: clinical testing. Allele origin: germline.
Comment: This sequence change creates a premature translational stop signal (p.Pro251Alafs*43) in the PURA gene. While this is not anticipated to result in nonsense mediated decay, it is expected to disrupt the last 72 amino acid(s) of the PURA protein. This variant is not present in population databases (gnomAD no frequency). This variant has not been reported in the literature in individuals affected with PURA-related conditions. This variant disrupts a region of the PURA protein in which other variant(s) (p.Thr310Asnfs*7) have been determined to be pathogenic (internal data). This suggests that this is a clinically significant region of the protein, and that variants that disrupt it are likely to be disease-causing. For these reasons, this variant has been classified as Pathogenic.

NM_005859.5(PURA):c.749dup (p.Pro251fs)

Gene: PURA (purine rich element binding protein A; plus strand). Cytogenetic location: 5q31.3.
Variant type: Duplication.
Coding change: c.749dup on transcript NM_005859.5 (MANE Select); coding-DNA position 749, one base duplicated (A; older notation c.749dupA).
Protein change: p.Pro251fs; shifts the reading frame from proline 251.
Molecular consequence: frameshift variant.
Genome position (GRCh38, 1-based): chr5:140,114,930, A duplicated; the last of 2 consecutive A bases (chr5:140,114,929-140,114,930); duplicating either gives the same sequence. VCF-style (leftmost placement, unchanged base first): chr5-140114928-G-GA. GRCh37 (hg19) VCF-style: chr5-139494513-G-GA.
Other names: short protein forms P251fs.
Identifiers: ClinVar variation 4731869 (VCV004731869.1).